The following is an entry in ClinVar:

NM_015001.3(SPEN):c.10677G>C (p.Gln3559His)

Gene: SPEN (spen family transcriptional repressor; plus strand). Cytogenetic location: 1p36.13.
Variant type: single nucleotide variant.
Coding change: c.10677G>C on transcript NM_015001.3 (MANE Select); coding-DNA position 10677, G replaced by C.
Protein change: p.Gln3559His; replaces glutamine 3559 with histidine.
Molecular consequence: missense variant.
Genome position (GRCh38, 1-based): chr1:15,937,979, G>C. VCF-style: chr1-15937979-G-C. GRCh37 (hg19) VCF-style: chr1-16264474-G-C.
Other names: short protein forms Q3559H.
Identifiers: ClinVar variation 1699673 (VCV001699673.3), dbSNP rs1356472244, ClinGen allele CA338664669.

ClinVar aggregate classification (germline): Uncertain significance. Review status: criteria provided, multiple submitters, no conflicts (2 of 4 stars). 2 submissions from 2 submitters: Uncertain significance (2). Last evaluated 2025-09-21.

Conditions:
Inborn genetic diseases. Identifiers: MedGen C0950123, MeSH D030342.

Allele frequency attached by ClinVar (database versions not stated): gnomAD 0.00001; gnomAD exomes 0.00001; TOPMed 0.00001.

Submissions (2):

Ambry Genetics
Classification: Uncertain significance for Inborn genetic diseases. Last evaluated: 2025-09-21. Review status: criteria provided, single submitter. Criteria: Ambry Variant Classification Scheme 2023. Collection method: clinical testing. Allele origin: germline.

GeneDx
Classification: Uncertain significance. Last evaluated: 2022-01-27. Review status: criteria provided, single submitter. Criteria: GeneDx Variant Classification Process June 2021. Collection method: clinical testing. Allele origin: germline. Affected: yes.
Comment: Not observed at significant frequency in large population cohorts (gnomAD); In silico analysis supports that this missense variant has a deleterious effect on protein structure/function; Has not been previously published as pathogenic or benign to our knowledge